The following is an entry in ClinVar:

NM_032119.4(ADGRV1):c.453+8C>T

Gene: ADGRV1 (adhesion G protein-coupled receptor V1; plus strand). Cytogenetic location: 5q14.3.
Variant type: single nucleotide variant.
Coding change: c.453+8C>T on transcript NM_032119.4 (MANE Select); 8 bases into the intron after coding-DNA position 453, C replaced by T.
Molecular consequence: intron variant.
Genome position (GRCh38, 1-based): chr5:90,619,189, C>T. VCF-style: chr5-90619189-C-T. GRCh37 (hg19) VCF-style: chr5-89915006-C-T.
Identifiers: ClinVar variation 505605 (VCV000505605.17), dbSNP rs768784430, ClinGen allele CA3338467.

ClinVar aggregate classification (germline): Likely benign. Review status: criteria provided, multiple submitters, no conflicts (2 of 4 stars). 4 submissions from 4 submitters: Likely benign (3). 1 of the submissions does not count toward it. Last evaluated 2025-10-14.

Conditions:
ADGRV1-related disorder. Also called: ADGRV1-related condition; ADGRV1-related disorders.

Allele frequency attached by ClinVar (database versions not stated): gnomAD 0.00007; TOPMed 0.00007; ExAC 0.00009; gnomAD exomes 0.00010.
gnomAD v4.1: 68 of 1,231,176 alleles (0.0055%); highest among the groups gnomAD compares: Admixed American, 0.016%; no homozygotes.

Submissions (4):

Labcorp Genetics (formerly Invitae), Labcorp
Classification: Likely benign. Last evaluated: 2025-10-14. Review status: criteria provided, single submitter. Criteria: Invitae Variant Classification Sherloc (09022015). Collection method: clinical testing. Allele origin: germline.

Blueprint Genetics
Classification: Likely benign. Last evaluated: 2024-09-07. Review status: criteria provided, single submitter. Criteria: ACMG Guidelines, 2015. Collection method: clinical testing. Allele origin: germline.

Laboratory for Molecular Medicine, Mass General Brigham Personalized Medicine
Classification: Likely benign. Last evaluated: 2017-02-07. Review status: criteria provided, single submitter. Criteria: LMM Criteria. Collection method: clinical testing. Allele origin: germline. Observed: 1 variant allele.
Comment: c.453+8C>T in intron 4 of GPR98: This variant is not expected to have clinical s ignificance because it is not located within the splice consensus sequence. It h as been identified in 1/17014 European chromosomes by the Exome Aggregation Cons ortium (ExAC; dbSNP rs768784430).

PreventionGenetics, part of Exact Sciences
Classification: Likely benign for ADGRV1-related condition. Last evaluated: 2020-09-02. Review status: no assertion criteria provided. Collection method: clinical testing. Allele origin: germline. Not counted in ClinVar's aggregate classification.
Comment: This variant is classified as likely benign based on ACMG/AMP sequence variant interpretation guidelines (Richards et al. 2015 PMID: 25741868, with internal and published modifications).